The following is an entry in ClinVar:

ClinVar aggregate classification (germline): Benign (0 of 4 stars; one submission).

Conditions:
TGFBR3-related disorder. Also called: TGFBR3-related condition.

Allele frequency attached by ClinVar (database versions not stated): 1000 Genomes Project 0.90675; 1000 Genomes Project 30x 0.90771; TOPMed 0.93337; ExAC 0.93375; gnomAD 0.93505; gnomAD exomes 0.93886; ESP Exome Variant Server 0.93941.
gnomAD v4.1: 1,514,583 of 1,614,092 alleles (94%); highest among the groups gnomAD compares: Admixed American, 96%; 711,345 homozygotes.

Submission:

PreventionGenetics, part of Exact Sciences
Classification: Benign for TGFBR3-related condition. Last evaluated: 2019-10-17. Review status: no assertion criteria provided. Collection method: clinical testing. Allele origin: germline.
Comment: This variant is classified as benign based on ACMG/AMP sequence variant interpretation guidelines (Richards et al. 2015 PMID: 25741868, with internal and published modifications).

NM_003243.5(TGFBR3):c.2247T>C (p.Thr749=)

Gene: TGFBR3 (transforming growth factor beta receptor 3; minus strand). Cytogenetic location: 1p22.1.
Variant type: single nucleotide variant.
Coding change: c.2247T>C on transcript NM_003243.5 (MANE Select); coding-DNA position 2247, T replaced by C.
Protein change: p.Thr749=; no amino-acid change (threonine 749 retained).
Molecular consequence: synonymous variant. On other transcripts: non-coding transcript variant (1).
Genome position (GRCh38, 1-based): chr1:91,708,703, A>G on the plus strand (T>C on the coding strand, the complement: TGFBR3 is on the minus strand). VCF-style: chr1-91708703-A-G. GRCh37 (hg19) VCF-style: chr1-92174260-A-G.
Other names: c.2244T>C, p.Thr748= (NM_001195683.2, NM_001195684.1).
Identifiers: ClinVar variation 3060406 (VCV003060406.2), dbSNP rs284878, ClinGen allele CA947592.